The following is an entry in ClinVar:

ClinVar aggregate classification (germline): Uncertain significance (1 of 4 stars; one submission).

Conditions:
Hereditary sensory neuropathy-deafness-dementia syndrome. Also called: Hereditary sensory neuropathy type IE; NEUROPATHY, HEREDITARY SENSORY, WITH HEARING LOSS AND DEMENTIA; Hereditary Sensory and Autonomic Neuropathy Type 1E (HSAN1E); HSN IE. Identifiers: Orphanet 456318, MedGen C3279885, MONDO:0013584, OMIM 614116.

Allele frequency attached by ClinVar (database versions not stated): TOPMed 0.00002.
gnomAD v4.1: 4 of 1,613,878 alleles (0.00025%); highest among the groups gnomAD compares: African/African-American, 0.0013%; no homozygotes.

Submission:

Labcorp Genetics (formerly Invitae), Labcorp
Classification: Uncertain significance for Hereditary sensory neuropathy-deafness-dementia syndrome. Last evaluated: 2024-08-06. Review status: criteria provided, single submitter. Criteria: Invitae Variant Classification Sherloc (09022015). Collection method: clinical testing. Allele origin: germline.
Comment: This sequence change replaces arginine, which is basic and polar, with leucine, which is neutral and non-polar, at codon 69 of the DNMT1 protein (p.Arg69Leu). This variant is not present in population databases (gnomAD no frequency). This variant has not been reported in the literature in individuals affected with DNMT1-related conditions. ClinVar contains an entry for this variant (Variation ID: 853627). Advanced modeling of protein sequence and biophysical properties (such as structural, functional, and spatial information, amino acid conservation, physicochemical variation, residue mobility, and thermodynamic stability) performed at Invitae indicates that this missense variant is not expected to disrupt DNMT1 protein function with a negative predictive value of 95%. In summary, the available evidence is currently insufficient to determine the role of this variant in disease. Therefore, it has been classified as a Variant of Uncertain Significance.

NM_001130823.3(DNMT1):c.206G>T (p.Arg69Leu)

Gene: DNMT1 (DNA methyltransferase 1; minus strand). Cytogenetic location: 19p13.2.
Variant type: single nucleotide variant.
Coding change: c.206G>T on transcript NM_001130823.3 (MANE Select); coding-DNA position 206, G replaced by T.
Protein change: p.Arg69Leu; replaces arginine 69 with leucine.
Molecular consequence: missense variant. On other transcripts: 5 prime UTR variant (1).
Genome position (GRCh38, 1-based): chr19:10,180,797, C>A on the plus strand (G>T on the coding strand, the complement: DNMT1 is on the minus strand). VCF-style: chr19-10180797-C-A. GRCh37 (hg19) VCF-style: chr19-10291473-C-A.
Other names: c.206G>T, p.Arg69Leu (NM_001318730.2, NM_001379.4); c.-118G>T (NM_001318731.2); short protein forms R69L.
Identifiers: ClinVar variation 853627 (VCV000853627.9), dbSNP rs61750053, ClinGen allele CA403947028.